The following is an entry in ClinVar:

NM_001004334.4(GPR179):c.181G>A (p.Ala61Thr)

Gene: GPR179 (G protein-coupled receptor 179; minus strand). Cytogenetic location: 17q12.
Variant type: single nucleotide variant.
Coding change: c.181G>A on transcript NM_001004334.4 (MANE Select); coding-DNA position 181, G replaced by A.
Protein change: p.Ala61Thr; replaces alanine 61 with threonine.
Molecular consequence: missense variant.
Genome position (GRCh38, 1-based): chr17:38,343,609, C>T on the plus strand (G>A on the coding strand, the complement: GPR179 is on the minus strand). VCF-style: chr17-38343609-C-T. GRCh37 (hg19) VCF-style: chr17-36499492-C-T.
Other names: c.181G>A (NM_001004334.2); short protein forms A61T.
Identifiers: ClinVar variation 1475481 (VCV001475481.5), dbSNP rs746508651, ClinGen allele CA290111884.

ClinVar aggregate classification (germline): Conflicting classifications of pathogenicity. Review status: criteria provided, conflicting classifications (1 of 4 stars). 2 submissions from 2 submitters: Uncertain significance (1); Likely benign (1). Last evaluated 2025-08-30.

Conditions:
Inborn genetic diseases. Identifiers: MedGen C0950123, MeSH D030342.

Allele frequency attached by ClinVar (database versions not stated): gnomAD exomes 0.00002; ExAC 0.00003.
gnomAD v4.1: 26 of 1,613,772 alleles (0.0016%); highest among the groups gnomAD compares: Admixed American, 0.005%; no homozygotes.

Submissions (2):

Ambry Genetics
Classification: Likely benign for Inborn genetic diseases. Last evaluated: 2025-08-30. Review status: criteria provided, single submitter. Criteria: Ambry Variant Classification Scheme 2023. Collection method: clinical testing. Allele origin: germline.

Labcorp Genetics (formerly Invitae), Labcorp
Classification: Uncertain significance. Last evaluated: 2022-07-19. Review status: criteria provided, single submitter. Criteria: Invitae Variant Classification Sherloc (09022015). Collection method: clinical testing. Allele origin: germline.
Comment: In summary, the available evidence is currently insufficient to determine the role of this variant in disease. Therefore, it has been classified as a Variant of Uncertain Significance. Algorithms developed to predict the effect of missense changes on protein structure and function output the following: SIFT: "Tolerated"; PolyPhen-2: "Benign"; Align-GVGD: "Class C0". The threonine amino acid residue is found in multiple mammalian species, which suggests that this missense change does not adversely affect protein function. ClinVar contains an entry for this variant (Variation ID: 1475481). This variant has not been reported in the literature in individuals affected with GPR179-related conditions. This variant is present in population databases (rs746508651, gnomAD 0.005%). This sequence change replaces alanine, which is neutral and non-polar, with threonine, which is neutral and polar, at codon 61 of the GPR179 protein (p.Ala61Thr).